The following is an entry in ClinVar:

NM_005138.3(SCO2):c.359G>A (p.Arg120Gln)

Genes: NCAPH2 (non-SMC condensin II complex subunit H2; plus strand), SCO2 (synthesis of cytochrome C oxidase 2; minus strand). Cytogenetic location: 22q13.33.
Variant type: single nucleotide variant.
Coding change: c.359G>A on transcript NM_005138.3 (MANE Select); coding-DNA position 359, G replaced by A.
Protein change: p.Arg120Gln; replaces arginine 120 with glutamine.
Molecular consequence: missense variant. On other transcripts: 3 prime UTR variant (2).
Genome position (GRCh38, 1-based): chr22:50,524,053, C>T on the plus strand (G>A on the coding strand, the complement: SCO2 is on the minus strand). VCF-style: chr22-50524053-C-T. GRCh37 (hg19) VCF-style: chr22-50962482-C-T.
Other names: c.*678C>T (NM_001185011.2, NM_152299.4); c.359G>A, p.Arg120Gln (NM_001169109.2, NM_001169110.1, NM_001169111.2); short protein forms R120Q.
Identifiers: ClinVar variation 3718843 (VCV003718843.2).

ClinVar aggregate classification (germline): Uncertain significance (1 of 4 stars; one submission).

gnomAD v4.1: 42 of 1,613,296 alleles (0.0026%); highest among the groups gnomAD compares: South Asian, 0.0033%; no homozygotes.

Submission:

Labcorp Genetics (formerly Invitae), Labcorp
Classification: Uncertain significance. Last evaluated: 2025-02-28. Review status: criteria provided, single submitter. Criteria: Invitae Variant Classification Sherloc (09022015). Collection method: clinical testing. Allele origin: germline.
Comment: This sequence change replaces arginine, which is basic and polar, with glutamine, which is neutral and polar, at codon 120 of the SCO2 protein (p.Arg120Gln). This variant is present in population databases (rs768674109, gnomAD 0.005%). This variant has not been reported in the literature in individuals affected with SCO2-related conditions. Invitae Evidence Modeling of protein sequence and biophysical properties (such as structural, functional, and spatial information, amino acid conservation, physicochemical variation, residue mobility, and thermodynamic stability) indicates that this missense variant is not expected to disrupt SCO2 protein function with a negative predictive value of 80%. In summary, the available evidence is currently insufficient to determine the role of this variant in disease. Therefore, it has been classified as a Variant of Uncertain Significance.